The following is an entry in ClinVar:

NM_004531.5(MOCS2):c.501G>A (p.Lys167=)

Gene: MOCS2 (molybdenum cofactor synthesis 2; minus strand). Cytogenetic location: 5q11.2.
Variant type: single nucleotide variant.
Coding change: c.501G>A on transcript NM_004531.5 (MANE Select); coding-DNA position 501, G replaced by A.
Protein change: p.Lys167=; no amino-acid change (lysine 167 retained).
Molecular consequence: synonymous variant. On other transcripts: 3 prime UTR variant (1).
Genome position (GRCh38, 1-based): chr5:53,100,411, C>T on the plus strand (G>A on the coding strand, the complement: MOCS2 is on the minus strand). VCF-style: chr5-53100411-C-T. GRCh37 (hg19) VCF-style: chr5-52396241-C-T.
Other names: c.*421G>A (NM_176806.4); c.501G>A, p.Lys167= (NM_183418.1).
Identifiers: ClinVar variation 1982319 (VCV001982319.1), dbSNP rs770698862, ClinGen allele CA3263604.

ClinVar aggregate classification (germline): Uncertain significance (1 of 4 stars; one submission).

Allele frequency attached by ClinVar (database versions not stated): gnomAD 0.00001; gnomAD exomes 0.00001; ExAC 0.00002.
gnomAD v4.1: 13 of 1,613,464 alleles (0.00081%); highest among the groups gnomAD compares: South Asian, 0.013%; no homozygotes.

Submission:

Labcorp Genetics (formerly Invitae), Labcorp
Classification: Uncertain significance. Last evaluated: 2022-06-23. Review status: criteria provided, single submitter. Criteria: Invitae Variant Classification Sherloc (09022015). Collection method: clinical testing. Allele origin: germline.
Comment: This sequence change affects codon 167 of the MOCS2B mRNA. It is a 'silent' change, meaning that it does not change the encoded amino acid sequence of the MOCS2B protein. This variant also falls at the last nucleotide of exon 6, which is part of the consensus splice site for this exon. This variant is present in population databases (rs770698862, gnomAD 0.02%). This variant has not been reported in the literature in individuals affected with MOCS2B-related conditions. Variants that disrupt the consensus splice site are a relatively common cause of aberrant splicing (PMID: 17576681, 9536098). Algorithms developed to predict the effect of sequence changes on RNA splicing suggest that this variant is not likely to affect RNA splicing. In summary, the available evidence is currently insufficient to determine the role of this variant in disease. Therefore, it has been classified as a Variant of Uncertain Significance.

Literature cited by the submitters: PubMed 17576681; PubMed 9536098.